The following is an entry in ClinVar:

NM_007294.4(BRCA1):c.441+1379G>T

Gene: BRCA1 (BRCA1 DNA repair associated; minus strand). Cytogenetic location: 17q21.31.
Variant type: single nucleotide variant.
Coding change: c.441+1379G>T on transcript NM_007294.4 (MANE Select); 1379 bases into the intron after coding-DNA position 441, G replaced by T.
Molecular consequence: intron variant.
Genome position (GRCh38, 1-based): chr17:43,102,743, C>A on the plus strand (G>T on the coding strand, the complement: BRCA1 is on the minus strand). VCF-style: chr17-43102743-C-A. GRCh37 (hg19) VCF-style: chr17-41254760-C-A.
Other names: IVS 7+1379G>T; c.300+1379G>T (NM_001408458.1, NM_001407931.1, NM_001407747.1 and 99 more transcripts); c.-218-7883G>T (NM_001407967.1, NM_001407966.1); c.60+1379G>T (NM_001407959.1, NM_001407962.1, NM_001408512.1 and 4 more transcripts); c.231+1379G>T (NM_001407885.1, NM_001407886.1, NM_001407898.1 and 58 more transcripts); c.441+1379G>T (NM_001407686.1, NM_001408397.1, NM_001407632.1 and 164 more transcripts); c.309+1379G>T (NM_001408451.1); c.363+1379G>T (NM_001408475.1, NM_001407875.1, NM_001407659.1 and 21 more transcripts); and 1 more.
Identifiers: ClinVar variation 209481 (VCV000209481.2), dbSNP rs139218576, ClinGen allele CA276451.

ClinVar aggregate classification (germline): Benign (3 of 4 stars; one submission).

Conditions:
Breast-ovarian cancer, familial, susceptibility to, 1 (BROVCA1). Also called: BRCA1 Hereditary Breast and Ovarian Cancer; OVARIAN CANCER, SUSCEPTIBILITY TO. Identifiers: Orphanet 145, MedGen C2676676, MONDO:0011450, OMIM 604370. Disease mechanism: loss of function.

Allele frequency attached by ClinVar (database versions not stated): 1000 Genomes Project 0.00379; gnomAD 0.00398 and 0.00426; 1000 Genomes Project 30x 0.00422; TOPMed 0.00437.
gnomAD v4.1: 595 of 151,854 alleles (0.39%); highest among the groups gnomAD compares: African/African-American, 1.4%; 5 homozygotes.

Submission:

Evidence-based Network for the Interpretation of Germline Mutant Alleles (ENIGMA)
Classification: Benign for Breast-ovarian cancer, familial 1. Last evaluated: 2015-01-12. Review status: reviewed by expert panel. Criteria: ENIGMA BRCA1/2 Classification Criteria (2015). Collection method: curation. Allele origin: germline.
Comment: Class 1 not pathogenic based on frequency >1% in an outbred sampleset. Frequency 0.01626 (African), derived from 1000 genomes (2012-04-30).